The following is an entry in ClinVar:

NM_001195263.2(PDZD7):c.2611T>A (p.Ser871Thr)

Gene: PDZD7 (PDZ domain containing 7; minus strand). Cytogenetic location: 10q24.31.
Variant type: single nucleotide variant.
Coding change: c.2611T>A on transcript NM_001195263.2 (MANE Select); coding-DNA position 2611, T replaced by A.
Protein change: p.Ser871Thr; replaces serine 871 with threonine.
Molecular consequence: missense variant.
Genome position (GRCh38, 1-based): chr10:101,010,278, A>T on the plus strand (T>A on the coding strand, the complement: PDZD7 is on the minus strand). VCF-style: chr10-101010278-A-T. GRCh37 (hg19) VCF-style: chr10-102770035-A-T.
Other names: short protein forms S871T.
Identifiers: ClinVar variation 1355288 (VCV001355288.7), dbSNP rs780723619, ClinGen allele CA5653962.

ClinVar aggregate classification (germline): Uncertain significance. Review status: criteria provided, multiple submitters, no conflicts (2 of 4 stars). 3 submissions from 3 submitters: Uncertain significance (3). Last evaluated 2025-08-05.

Conditions:
PDZD7-related disorder. Also called: PDZD7-related condition; PDZD7-related disorders.

Allele frequency attached by ClinVar (database versions not stated): gnomAD exomes 0.00001 and 0.00005; TOPMed 0.00005; ExAC 0.00008.
gnomAD v4.1: 10 of 1,525,406 alleles (0.00066%); highest among the groups gnomAD compares: Admixed American, 0.018%; no homozygotes.

Submissions (3):

GeneDx
Classification: Uncertain significance. Last evaluated: 2025-08-05. Review status: criteria provided, single submitter. Criteria: GeneDx Variant Classification Process June 2021. Collection method: clinical testing. Allele origin: germline. Affected: yes.
Comment: In silico analysis suggests that this missense variant does not alter protein structure/function; Has not been previously published as pathogenic or benign to our knowledge

PreventionGenetics, part of Exact Sciences
Classification: Uncertain significance for PDZD7-related condition. Last evaluated: 2025-02-12. Review status: criteria provided, single submitter. Criteria: ACMG Guidelines, 2015. Collection method: clinical testing. Allele origin: germline.
Comment: The PDZD7 c.2611T>A variant is predicted to result in the amino acid substitution p.Ser871Thr. To our knowledge, this variant has not been reported in the literature. This variant is reported in 0.029% of alleles in individuals of Latino descent in gnomAD. At this time, the clinical significance of this variant is uncertain due to the absence of conclusive functional and genetic evidence.

Labcorp Genetics (formerly Invitae), Labcorp
Classification: Uncertain significance. Last evaluated: 2023-10-03. Review status: criteria provided, single submitter. Criteria: Invitae Variant Classification Sherloc (09022015). Collection method: clinical testing. Allele origin: germline.
Comment: This sequence change replaces serine, which is neutral and polar, with threonine, which is neutral and polar, at codon 871 of the PDZD7 protein (p.Ser871Thr). This variant is present in population databases (rs780723619, gnomAD 0.03%). This variant has not been reported in the literature in individuals affected with PDZD7-related conditions. ClinVar contains an entry for this variant (Variation ID: 1355288). Advanced modeling of protein sequence and biophysical properties (such as structural, functional, and spatial information, amino acid conservation, physicochemical variation, residue mobility, and thermodynamic stability) performed at Invitae indicates that this missense variant is not expected to disrupt PDZD7 protein function. In summary, the available evidence is currently insufficient to determine the role of this variant in disease. Therefore, it has been classified as a Variant of Uncertain Significance.